The following is an entry in ClinVar:

NM_014363.6(SACS):c.2428del (p.Glu810fs)

Gene: SACS (sacsin molecular chaperone; minus strand). Cytogenetic location: 13q12.12.
Variant type: Deletion.
Coding change: c.2428del on transcript NM_014363.6 (MANE Select); coding-DNA position 2428, one base deleted (G; older notation c.2428delG).
Protein change: p.Glu810fs; shifts the reading frame from glutamic acid 810.
Molecular consequence: frameshift variant.
Genome position (GRCh38, 1-based): chr13:23,341,448, C deleted on the plus strand (G on the coding strand, the reverse complement: SACS is on the minus strand); the first of 2 consecutive C bases (chr13:23,341,448-23,341,449); deleting either gives the same sequence. VCF-style (leftmost placement, unchanged base first): chr13-23341447-TC-T. GRCh37 (hg19) VCF-style: chr13-23915586-TC-T.
Other names: c.1987del, p.Glu663fs (NM_001278055.2); short protein forms E810fs, E663fs.
Identifiers: ClinVar variation 1999226 (VCV001999226.4), dbSNP rs2542313687, ClinGen allele CA2580086827.

ClinVar aggregate classification (germline): Pathogenic (1 of 4 stars; one submission).

Conditions:
Spastic paraplegia. Identifiers: MedGen C0037772, HP:0001258.

Submission:

Labcorp Genetics (formerly Invitae), Labcorp
Classification: Pathogenic for Spastic paraplegia. Last evaluated: 2022-05-27. Review status: criteria provided, single submitter. Criteria: Invitae Variant Classification Sherloc (09022015). Collection method: clinical testing. Allele origin: germline.
Comment: This sequence change creates a premature translational stop signal (p.Glu810Lysfs*16) in the SACS gene. While this is not anticipated to result in nonsense mediated decay, it is expected to disrupt the last 3770 amino acid(s) of the SACS protein. This variant is not present in population databases (gnomAD no frequency). This variant has not been reported in the literature in individuals affected with SACS-related conditions. This variant disrupts a region of the SACS protein in which other variant(s) (p.Asn4549Asp) have been determined to be pathogenic (PMID: 15156359, 21507954). This suggests that this is a clinically significant region of the protein, and that variants that disrupt it are likely to be disease-causing. For these reasons, this variant has been classified as Pathogenic.

Literature cited by the submitters: PubMed 15156359; PubMed 21507954.